The following is an entry in ClinVar:

ClinVar aggregate classification (germline): Uncertain significance (1 of 4 stars; one submission).

Conditions:
GNAS-related disorder. Identifiers: MedGen CN380105.

gnomAD v4.1: 1 of 1,538,822 alleles (0.000065%); highest among the groups gnomAD compares: East Asian, 0.0025%; no homozygotes.

Submission:

PreventionGenetics, part of Exact Sciences
Classification: Uncertain significance for GNAS-related condition. Last evaluated: 2023-04-06. Review status: criteria provided, single submitter. Criteria: ACMG Guidelines, 2015. Collection method: clinical testing. Allele origin: germline.
Comment: The GNAS c.1352C>G variant is predicted to result in the amino acid substitution p.Ala451Gly. To our knowledge, this variant has not been reported in the literature. This variant is reported in 0.0094% of alleles in individuals of East Asian descent in gnomAD. At this time, the clinical significance of this variant is uncertain due to the absence of conclusive functional and genetic evidence.

NM_080425.4(GNAS):c.1352C>G (p.Ala451Gly)

Gene: GNAS (GNAS complex locus; plus strand). Cytogenetic location: 20q13.32.
Variant type: single nucleotide variant.
Coding change: c.1352C>G on transcript NM_080425.4 (MANE Plus Clinical); coding-DNA position 1352, C replaced by G.
Protein change: p.Ala451Gly; replaces alanine 451 with glycine.
Molecular consequence: missense variant. On other transcripts: intron variant (3).
Genome position (GRCh38, 1-based): chr20:58,854,617, C>G. VCF-style: chr20-58854617-C-G. GRCh37 (hg19) VCF-style: chr20-57429672-C-G.
Other names: c.1165C>G, p.Pro389Ala (NM_001077490.3, NM_001309883.1); c.1352C>G, p.Ala451Gly (NM_001410913.1); c.*42+13731C>G (NM_016592.5); c.43+13731C>G (NM_001410912.1); c.-39+12742C>G (NM_001309861.2); short protein forms A451G, P389A.
Identifiers: ClinVar variation 2632135 (VCV002632135.1), dbSNP rs1381864620, ClinGen allele CA409460233.